The following is an entry in ClinVar:

ClinVar aggregate classification (germline): Conflicting classifications of pathogenicity. Review status: criteria provided, conflicting classifications (1 of 4 stars). 4 submissions from 3 submitters: Uncertain significance (1); Likely benign (3). Last evaluated 2023-11-27.

Conditions:
Inborn genetic diseases. Identifiers: MedGen C0950123, MeSH D030342.
Charcot-Marie-Tooth disease type 4. Also called: Charcot-Marie-Tooth, Type 4; Charcot-Marie-Tooth disease, type IV. Identifiers: Orphanet 64749, MedGen C4082197, MONDO:0018995.
Charcot-Marie-Tooth disease type 4J (CMT4J). Also called: CHARCOT-MARIE-TOOTH DISEASE, AUTOSOMAL RECESSIVE, TYPE 4J; Charcot-Marie-Tooth Neuropathy Type 4J; CHARCOT-MARIE-TOOTH DISEASE, DEMYELINATING, TYPE 4J. Identifiers: Orphanet 139515, MedGen C1970011, MONDO:0012640, OMIM 611228.
Amyotrophic lateral sclerosis type 11 (ALS11). Identifiers: Orphanet 803, MedGen C2675491, MONDO:0012945, OMIM 612577.

Allele frequency attached by ClinVar (database versions not stated): TOPMed 0.00002; 1000 Genomes Project 30x 0.00047; 1000 Genomes Project 0.00060.
gnomAD v4.1: 157 of 1,613,542 alleles (0.0097%); highest among the groups gnomAD compares: East Asian, 0.34%; 1 homozygote.

Submissions (4):

Labcorp Genetics (formerly Invitae), Labcorp
Classification: Likely benign for Charcot-Marie-Tooth disease type 4. Last evaluated: 2023-11-27. Review status: criteria provided, single submitter. Criteria: Invitae Variant Classification Sherloc (09022015). Collection method: clinical testing. Allele origin: germline.

Ambry Genetics
Classification: Likely benign for Inborn genetic diseases. Last evaluated: 2019-07-11. Review status: criteria provided, single submitter. Criteria: Ambry Variant Classification Scheme 2023. Collection method: clinical testing. Allele origin: germline.

Illumina Laboratory Services, Illumina
Classification: Likely benign for Amyotrophic lateral sclerosis type 11. Last evaluated: 2018-01-13. Review status: criteria provided, single submitter. Criteria: ICSL Variant Classification Criteria 13 December 2019. Collection method: clinical testing. Allele origin: germline.
Comment: This variant was observed in the ICSL laboratory as part of a predisposition screen in an ostensibly healthy population. It had not been previously curated by ICSL or reported in the Human Gene Mutation Database (HGMD: prior to June 1st, 2018), and was therefore a candidate for classification through an automated scoring system. Utilizing variant allele frequency, disease prevalence and penetrance estimates, and inheritance mode, an automated score was calculated to assess if this variant is too frequent to cause the disease. Based on the score and internal cut-off values, a variant classified as likely benign is not then subjected to further curation. The score for this variant resulted in a classification of likely benign for this disease.

Illumina Laboratory Services, Illumina
Classification: Uncertain significance for Charcot-Marie-Tooth disease type 4J. Last evaluated: 2018-01-13. Review status: criteria provided, single submitter. Criteria: ICSL Variant Classification Criteria 13 December 2019. Collection method: clinical testing. Allele origin: germline.

NM_014845.6(FIG4):c.2223G>T (p.Thr741=)

Gene: FIG4 (FIG4 phosphoinositide 5-phosphatase; plus strand). Cytogenetic location: 6q21.
Variant type: single nucleotide variant.
Coding change: c.2223G>T on transcript NM_014845.6 (MANE Select); coding-DNA position 2223, G replaced by T.
Protein change: p.Thr741=; no amino-acid change (threonine 741 retained).
Molecular consequence: synonymous variant.
Genome position (GRCh38, 1-based): chr6:109,791,418, G>T. VCF-style: chr6-109791418-G-T. GRCh37 (hg19) VCF-style: chr6-110112621-G-T.
Identifiers: ClinVar variation 355044 (VCV000355044.11), dbSNP rs181012139, ClinGen allele CA3956327.